The following is an entry in ClinVar:

NM_000275.3(OCA2):c.1429A>G (p.Ile477Val)

Gene: OCA2 (OCA2 melanosomal transmembrane protein; minus strand). Cytogenetic location: 15q13.1.
Variant type: single nucleotide variant.
Coding change: c.1429A>G on transcript NM_000275.3 (MANE Select); coding-DNA position 1429, A replaced by G.
Protein change: p.Ile477Val; replaces isoleucine 477 with valine.
Molecular consequence: missense variant.
Genome position (GRCh38, 1-based): chr15:27,983,419, T>C on the plus strand (A>G on the coding strand, the complement: OCA2 is on the minus strand). VCF-style: chr15-27983419-T-C. GRCh37 (hg19) VCF-style: chr15-28228565-T-C.
Other names: c.1357A>G, p.Ile453Val (NM_001300984.2); short protein forms I453V, I477V.
Identifiers: ClinVar variation 1419276 (VCV001419276.5), dbSNP rs1050639691, ClinGen allele CA267890275.
Genomic context (GRCh38, chr15:27,983,419, plus strand): 5'-CTTGGTTGGAAACAATAATGACATTTGGAGGGTCCCCGATGGCAGTGGCAGCTCCTCCAA[T>C]GTTTGTGAAGATCACTTCTGCAATCAGGACTTGTCTTGGATCAAGGTTGAGCACCTCACA-3'
Protein context (NP_000266.2, residues 467-487): VLIAEVIFTN[Ile477Val]GGAATAIGDP

ClinVar aggregate classification (germline): Uncertain significance (1 of 4 stars; one submission).

Allele frequency attached by ClinVar (database versions not stated): gnomAD exomes 0.00001.
gnomAD v4.1: 4 of 1,614,200 alleles (0.00025%); highest among the groups gnomAD compares: African/African-American, 0.0013%; no homozygotes.

Submission:

Labcorp Genetics (formerly Invitae), Labcorp
Classification: Uncertain significance. Last evaluated: 2022-01-14. Review status: criteria provided, single submitter. Criteria: Invitae Variant Classification Sherloc (09022015). Collection method: clinical testing. Allele origin: germline.
Comment: This sequence change replaces isoleucine, which is neutral and non-polar, with valine, which is neutral and non-polar, at codon 477 of the OCA2 protein (p.Ile477Val). This variant is not present in population databases (gnomAD no frequency). This variant has not been reported in the literature in individuals affected with OCA2-related conditions. Advanced modeling of protein sequence and biophysical properties (such as structural, functional, and spatial information, amino acid conservation, physicochemical variation, residue mobility, and thermodynamic stability) performed at Invitae indicates that this missense variant is expected to disrupt OCA2 protein function. In summary, the available evidence is currently insufficient to determine the role of this variant in disease. Therefore, it has been classified as a Variant of Uncertain Significance.